The following is an entry in ClinVar:

NM_213599.3(ANO5):c.365A>G (p.Asp122Gly)

Gene: ANO5 (anoctamin 5; plus strand). Cytogenetic location: 11p14.3.
Variant type: single nucleotide variant.
Coding change: c.365A>G on transcript NM_213599.3 (MANE Select); coding-DNA position 365, A replaced by G.
Protein change: p.Asp122Gly; replaces aspartic acid 122 with glycine.
Molecular consequence: missense variant.
Genome position (GRCh38, 1-based): chr11:22,227,303, A>G. VCF-style: chr11-22227303-A-G. GRCh37 (hg19) VCF-style: chr11-22248849-A-G.
Other names: c.362A>G, p.Asp121Gly (NM_001142649.2); c.323A>G, p.Asp108Gly (NM_001410963.1); c.320A>G, p.Asp107Gly (NM_001410964.1); short protein forms D108G, D121G, D107G, D122G.
Identifiers: ClinVar variation 2023900 (VCV002023900.4), dbSNP rs1852871852, ClinGen allele CA379919242.

ClinVar aggregate classification (germline): Uncertain significance (1 of 4 stars; one submission).

Conditions:
Gnathodiaphyseal dysplasia (GDD). Also called: GNATHODIAPHYSEAL SCLEROSIS; OSTEOGENESIS IMPERFECTA WITH UNUSUAL SKELETAL LESIONS. Identifiers: Orphanet 53697, MedGen C1833736, MONDO:0008151, OMIM 166260.
Autosomal recessive limb-girdle muscular dystrophy type 2L (LGMDR12). Also called: MUSCULAR DYSTROPHY, LIMB-GIRDLE, AUTOSOMAL RECESSIVE 12; Limb-girdle muscular dystrophy, type 2L; Limb-Girdle Muscular Dystrophy R12 Anoctamin-5-Related (LGMD-R12). Identifiers: Orphanet 206549, MedGen C1969785, MONDO:0012652, OMIM 611307.

Allele frequency attached by ClinVar (database versions not stated): gnomAD exomes below 0.00001.
gnomAD v4.1: 1 of 1,613,034 alleles (0.000062%); highest among the groups gnomAD compares: Non-Finnish European, 0.000085%; no homozygotes.

Submission:

Labcorp Genetics (formerly Invitae), Labcorp
Classification: Uncertain significance for Autosomal recessive limb-girdle muscular dystrophy type 2L; Gnathodiaphyseal dysplasia. Last evaluated: 2024-05-20. Review status: criteria provided, single submitter. Criteria: Invitae Variant Classification Sherloc (09022015). Collection method: clinical testing. Allele origin: germline.
Comment: This sequence change replaces aspartic acid, which is acidic and polar, with glycine, which is neutral and non-polar, at codon 122 of the ANO5 protein (p.Asp122Gly). This variant is not present in population databases (gnomAD no frequency). This variant has not been reported in the literature in individuals affected with ANO5-related conditions. ClinVar contains an entry for this variant (Variation ID: 2023900). An algorithm developed to predict the effect of missense changes on protein structure and function (PolyPhen-2) suggests that this variant is likely to be tolerated. In summary, the available evidence is currently insufficient to determine the role of this variant in disease. Therefore, it has been classified as a Variant of Uncertain Significance.